The following is an entry in ClinVar:

ClinVar aggregate classification (germline): Uncertain significance. Review status: criteria provided, multiple submitters, no conflicts (2 of 4 stars). 2 submissions from 2 submitters: Uncertain significance (2). Last evaluated 2026-08-22.

gnomAD v4.1: 8 of 1,614,152 alleles (0.0005%); highest among the groups gnomAD compares: Non-Finnish European, 0.00068%; no homozygotes.

Submissions (2):

GeneDx
Classification: Uncertain significance. Last evaluated: 2026-08-22. Review status: criteria provided, single submitter. Criteria: GeneDx Variant Classification Process June 2021. Collection method: clinical testing. Allele origin: germline.
Comment: Not observed at significant frequency in large population cohorts (gnomAD); In silico analysis supports that this missense variant has a deleterious effect on protein structure/function; Has not been previously published as pathogenic or benign to our knowledge

Labcorp Genetics (formerly Invitae), Labcorp
Classification: Uncertain significance. Last evaluated: 2024-06-10. Review status: criteria provided, single submitter. Criteria: Invitae Variant Classification Sherloc (09022015). Collection method: clinical testing. Allele origin: germline.
Comment: This sequence change replaces valine, which is neutral and non-polar, with alanine, which is neutral and non-polar, at codon 438 of the DIP2C protein (p.Val438Ala). This variant is not present in population databases (gnomAD no frequency). This variant has not been reported in the literature in individuals affected with DIP2C-related conditions. An algorithm developed to predict the effect of missense changes on protein structure and function (PolyPhen-2) suggests that this variant is likely to be disruptive. In summary, the available evidence is currently insufficient to determine the role of this variant in disease. Therefore, it has been classified as a Variant of Uncertain Significance.

NM_014974.3(DIP2C):c.1313T>C (p.Val438Ala)

Gene: DIP2C (DIP2 acetate--CoA ligase C (putative); minus strand). Cytogenetic location: 10p15.3.
Variant type: single nucleotide variant.
Coding change: c.1313T>C on transcript NM_014974.3 (MANE Select); coding-DNA position 1313, T replaced by C.
Protein change: p.Val438Ala; replaces valine 438 with alanine.
Molecular consequence: missense variant.
Genome position (GRCh38, 1-based): chr10:390,811, A>G on the plus strand (T>C on the coding strand, the complement: DIP2C is on the minus strand). VCF-style: chr10-390811-A-G. GRCh37 (hg19) VCF-style: chr10-436751-A-G.
Other names: short protein forms V438A.
Identifiers: ClinVar variation 3342359 (VCV003342359.4).